The following is an entry in ClinVar:

ClinVar aggregate classification (germline): Uncertain significance. Review status: reviewed by expert panel (3 of 4 stars). 3 submissions from 3 submitters: Uncertain significance (1). 2 of the submissions do not count toward it. Last evaluated 2024-08-12.

Conditions:
Hereditary thrombocytopenia and hematologic cancer predisposition syndrome. Identifiers: Orphanet 71290, MedGen CN281654, MONDO:0011071.
Inborn genetic diseases. Identifiers: MedGen C0950123, MeSH D030342.
Hereditary thrombocytopenia and hematological cancer predisposition syndrome associated with RUNX1. Also called: Familial Platelet Disorder with Propensity to Acute Myelogenous Leukemia; Familial thrombocytopenia with propensity to acute myelogenous leukemia; RUNX1 Familial Platelet Disorder with Associated Myeloid Malignancies; PLATELET DISORDER, ASPIRIN-LIKE. Identifiers: Orphanet 71290, MedGen C1832388, MeSH C563324, MONDO:0100083, OMIM 601399.

Allele frequency attached by ClinVar (database versions not stated): gnomAD exomes below 0.00001 and 0.00001.
gnomAD v4.1: 1 of 1,540,018 alleles (0.000065%); highest among the groups gnomAD compares: Admixed American, 0.0019%; no homozygotes.

Submissions (3):

ClinGen Myeloid Malignancy Variant Curation Expert Panel
Classification: Uncertain significance for Hereditary thrombocytopenia and hematologic cancer predisposition syndrome. Last evaluated: 2024-08-12. Review status: reviewed by expert panel. Criteria: ClinGen MyeloMalig ACMG Specifications v2. Collection method: curation. Allele origin: germline. Inheritance: Autosomal dominant inheritance.
Comment: NM_001754.5(RUNX1):c.1342A>T (p.Asn448Tyr) is a missense variant which has a REVEL score < 0.50 (0.164) and no splicing effect predicted (SpliceAI < 0.2) (BP4). In summary, the clinical significance of this variant is uncertain. ACMG/AMP criteria applied, as specified by the Myeloid Malignancy Variant Curation Expert Panel for RUNX1: BP4.

Ambry Genetics
Classification: Uncertain significance for Inborn genetic diseases. Last evaluated: 2026-04-20. Review status: criteria provided, single submitter. Criteria: Ambry Variant Classification Scheme 2023. Collection method: clinical testing. Allele origin: germline. Not counted in ClinVar's aggregate classification.
Comment: The p.N448Y variant (also known as c.1342A>T), located in coding exon 8 of the RUNX1 gene, results from an A to T substitution at nucleotide position 1342. The asparagine at codon 448 is replaced by tyrosine, an amino acid with dissimilar properties. This amino acid position is conserved. In addition, this alteration is predicted to be tolerated by in silico analysis. Based on the available evidence, the clinical significance of this variant remains unclear.

Labcorp Genetics (formerly Invitae), Labcorp
Classification: Uncertain significance for Hereditary thrombocytopenia and hematological cancer predisposition syndrome associated with RUNX1. Last evaluated: 2022-10-11. Review status: criteria provided, single submitter. Criteria: Invitae Variant Classification Sherloc (09022015). Collection method: clinical testing. Allele origin: germline. Not counted in ClinVar's aggregate classification.
Comment: In summary, the available evidence is currently insufficient to determine the role of this variant in disease. Therefore, it has been classified as a Variant of Uncertain Significance. Advanced modeling of protein sequence and biophysical properties (such as structural, functional, and spatial information, amino acid conservation, physicochemical variation, residue mobility, and thermodynamic stability) performed at Invitae indicates that this missense variant is not expected to disrupt RUNX1 protein function. ClinVar contains an entry for this variant (Variation ID: 642864). This variant has not been reported in the literature in individuals affected with RUNX1-related conditions. This variant is present in population databases (no rsID available, gnomAD 0.004%). This sequence change replaces asparagine, which is neutral and polar, with tyrosine, which is neutral and polar, at codon 448 of the RUNX1 protein (p.Asn448Tyr).

NM_001754.5(RUNX1):c.1342A>T (p.Asn448Tyr)

Gene: RUNX1 (RUNX family transcription factor 1; minus strand). Cytogenetic location: 21q22.12.
Variant type: single nucleotide variant.
Coding change: c.1342A>T on transcript NM_001754.5 (MANE Select); coding-DNA position 1342, A replaced by T.
Protein change: p.Asn448Tyr; replaces asparagine 448 with tyrosine.
Molecular consequence: missense variant.
Genome position (GRCh38, 1-based): chr21:34,792,236, T>A on the plus strand (A>T on the coding strand, the complement: RUNX1 is on the minus strand). VCF-style: chr21-34792236-T-A. GRCh37 (hg19) VCF-style: chr21-36164533-T-A.
Other names: NM_001754.5(RUNX1):c.1342A>T; p.Asn448Tyr; c.1261A>T, p.Asn421Tyr (NM_001001890.3); short protein forms N421Y, N448Y.
Identifiers: ClinVar variation 642864 (VCV000642864.10), dbSNP rs1168253908, ClinGen allele CA410147245.
Genomic context (GRCh38, chr21:34,792,236, plus strand): 5'-GCGCCATGTTGGTGGGGGAGTTGCTGTGGCTGCCCTCGGCCTCCACCACGTCGCTCTGGT[T>A]CGGGAGGCTGGGGTTGAGCAGCGCGGAGCCGGTGGAGGCGTTGGTGCAGGGCGGCAGGAT-3'
Protein context (NP_001745.2, residues 438-458): GSALLNPSLP[Asn448Tyr]QSDVVEAEGS